The following is an entry in ClinVar:

NM_014822.4(SEC24D):c.584G>A (p.Gly195Glu)

Gene: SEC24D (SEC24 homolog D, COPII component; minus strand). Cytogenetic location: 4q26.
Variant type: single nucleotide variant.
Coding change: c.584G>A on transcript NM_014822.4 (MANE Select); coding-DNA position 584, G replaced by A.
Protein change: p.Gly195Glu; replaces glycine 195 with glutamic acid.
Molecular consequence: missense variant.
Genome position (GRCh38, 1-based): chr4:118,815,540, C>T on the plus strand (G>A on the coding strand, the complement: SEC24D is on the minus strand). VCF-style: chr4-118815540-C-T. GRCh37 (hg19) VCF-style: chr4-119736695-C-T.
Other names: c.584G>A, p.Gly195Glu (NM_001318066.2); short protein forms G195E.
Identifiers: ClinVar variation 2108567 (VCV002108567.4), dbSNP rs2530246270, ClinGen allele CA358015531.

ClinVar aggregate classification (germline): Uncertain significance (1 of 4 stars; one submission).

Submission:

Labcorp Genetics (formerly Invitae), Labcorp
Classification: Uncertain significance. Last evaluated: 2022-03-11. Review status: criteria provided, single submitter. Criteria: Invitae Variant Classification Sherloc (09022015). Collection method: clinical testing. Allele origin: germline.
Comment: This sequence change replaces glycine, which is neutral and non-polar, with glutamic acid, which is acidic and polar, at codon 195 of the SEC24D protein (p.Gly195Glu). In summary, the available evidence is currently insufficient to determine the role of this variant in disease. Therefore, it has been classified as a Variant of Uncertain Significance. Algorithms developed to predict the effect of missense changes on protein structure and function are either unavailable or do not agree on the potential impact of this missense change (SIFT: "Not Available"; PolyPhen-2: "Possibly Damaging"; Align-GVGD: "Not Available"). This variant has not been reported in the literature in individuals affected with SEC24D-related conditions. This variant is not present in population databases (gnomAD no frequency).